The following is an entry in ClinVar:

ClinVar aggregate classification (germline): conflicting data from submitters (0 of 4 stars; one submission).

Submission:

ISCA site 1
Classification: conflicting data from submitters. Last evaluated: 2012-07-02. Review status: no assertion criteria provided. Collection method: clinical testing. Allele origin: paternal, unknown. Affected: yes. Observed: 2 variant alleles.
Comment: Uncertain significance(1), Likely benign (1)

Copy number variation identified through the course of routine clinical cytogenomic testing in postnatal populations, with clinical assertions as classified by the original submitter. For data from the original published study, Kaminsky, et al. 2011 (PubMed 21844811), please see nstd101.

GRCh38/hg38 3p26.3(chr3:1920995-2164995)x3

Genes: CNTN4 (contactin 4; plus strand), CNTN4-AS2 (CNTN4 antisense RNA 2; minus strand). Cytogenetic location: 3p26.3.
Variant type: copy number gain.
Change: copy number 3 (three copies instead of two) of chr3:1,920,995-2,164,995 (244.0 kb, GRCh38 coordinates, 1-based), cytogenetic band 3p26.3.
Identifiers: ClinVar variation 149284 (VCV000149284.2).